The following is an entry in ClinVar:

NM_000493.4(COL10A1):c.2039T>A (p.Met680Lys)

Genes: COL10A1 (collagen type X alpha 1 chain; minus strand), NT5DC1 (5'-nucleotidase domain containing 1; plus strand). Cytogenetic location: 6q22.1.
Variant type: single nucleotide variant.
Coding change: c.2039T>A on transcript NM_000493.4 (MANE Select); coding-DNA position 2039, T replaced by A.
Protein change: p.Met680Lys; replaces methionine 680 with lysine.
Molecular consequence: missense variant. On other transcripts: intron variant (1).
Genome position (GRCh38, 1-based): chr6:116,120,077, A>T on the plus strand (T>A on the coding strand, the complement: COL10A1 is on the minus strand). VCF-style: chr6-116120077-A-T. GRCh37 (hg19) VCF-style: chr6-116441240-A-T.
Other names: c.2039T>A, p.Met680Lys (NM_001424106.1, NM_001424107.1); c.529+2132A>T (NM_152729.3); short protein forms M680K.
Identifiers: ClinVar variation 2993723 (VCV002993723.3), dbSNP rs751369649, ClinGen allele CA3968067.

ClinVar aggregate classification (germline): Uncertain significance (1 of 4 stars; one submission).

Allele frequency attached by ClinVar (database versions not stated): ExAC 0.00001.

Submission:

Labcorp Genetics (formerly Invitae), Labcorp
Classification: Uncertain significance. Last evaluated: 2023-12-07. Review status: criteria provided, single submitter. Criteria: Invitae Variant Classification Sherloc (09022015). Collection method: clinical testing. Allele origin: germline.
Comment: This sequence change replaces methionine, which is neutral and non-polar, with lysine, which is basic and polar, at codon 680 of the COL10A1 protein (p.Met680Lys). This variant is present in population databases (rs751369649, gnomAD 0.003%). This variant has not been reported in the literature in individuals affected with COL10A1-related conditions. Advanced modeling of protein sequence and biophysical properties (such as structural, functional, and spatial information, amino acid conservation, physicochemical variation, residue mobility, and thermodynamic stability) has been performed at Invitae for this missense variant, however the output from this modeling did not meet the statistical confidence thresholds required to predict the impact of this variant on COL10A1 protein function. In summary, the available evidence is currently insufficient to determine the role of this variant in disease. Therefore, it has been classified as a Variant of Uncertain Significance.